The following is an entry in ClinVar:

ClinVar aggregate classification (germline): Uncertain significance (1 of 4 stars; one submission).

gnomAD v4.1: 4 of 1,613,824 alleles (0.00025%); highest among the groups gnomAD compares: Non-Finnish European, 0.00034%; no homozygotes.

Submission:

Ambry Genetics
Classification: Uncertain significance. Last evaluated: 2024-12-06. Review status: criteria provided, single submitter. Criteria: Ambry Variant Classification Scheme 2023. Collection method: clinical testing. Allele origin: germline.
Comment: The p.R583C variant (also known as c.1747C>T), located in coding exon 18 of the SRP72 gene, results from a C to T substitution at nucleotide position 1747. The arginine at codon 583 is replaced by cysteine, an amino acid with highly dissimilar properties. This amino acid position is conserved. In addition, this alteration is predicted to be deleterious by in silico analysis. Based on the available evidence, the clinical significance of this variant remains unclear.

NM_006947.4(SRP72):c.1747C>T (p.Arg583Cys)

Gene: SRP72 (signal recognition particle 72; plus strand). Cytogenetic location: 4q12.
Variant type: single nucleotide variant.
Coding change: c.1747C>T on transcript NM_006947.4 (MANE Select); coding-DNA position 1747, C replaced by T.
Protein change: p.Arg583Cys; replaces arginine 583 with cysteine.
Molecular consequence: missense variant. On other transcripts: non-coding transcript variant (1).
Genome position (GRCh38, 1-based): chr4:56,500,604, C>T. VCF-style: chr4-56500604-C-T. GRCh37 (hg19) VCF-style: chr4-57366770-C-T.
Other names: c.1564C>T, p.Arg522Cys (NM_001267722.2); short protein forms R522C, R583C.
Identifiers: ClinVar variation 3449433 (VCV003449433.1).